The following is an entry in ClinVar:

ClinVar aggregate classification (germline): Uncertain significance (1 of 4 stars; one submission).

gnomAD v4.1: 1 of 1,611,220 alleles (0.000062%); highest among the groups gnomAD compares: Admixed American, 0.0017%; no homozygotes.

Submission:

Ambry Genetics
Classification: Uncertain significance. Last evaluated: 2024-11-26. Review status: criteria provided, single submitter. Criteria: Ambry Variant Classification Scheme 2023. Collection method: clinical testing. Allele origin: germline.
Comment: The p.E1248D variant (also known as c.3744G>T), located in coding exon 16 of the WNK2 gene, results from a G to T substitution at nucleotide position 3744. The glutamic acid at codon 1248 is replaced by aspartic acid, an amino acid with highly similar properties. This amino acid position is conserved. In addition, this alteration is predicted to be tolerated by in silico analysis. Based on the available evidence, the clinical significance of this variant remains unclear.

NM_006648.4(WNK2):c.3744G>T (p.Glu1248Asp)

Gene: WNK2 (WNK lysine deficient protein kinase 2; plus strand). Cytogenetic location: 9q22.31.
Variant type: single nucleotide variant.
Coding change: c.3744G>T on transcript NM_006648.4 (MANE Select); coding-DNA position 3744, G replaced by T.
Protein change: p.Glu1248Asp; replaces glutamic acid 1248 with aspartic acid.
Molecular consequence: missense variant.
Genome position (GRCh38, 1-based): chr9:93,267,793, G>T. VCF-style: chr9-93267793-G-T. GRCh37 (hg19) VCF-style: chr9-96030075-G-T.
Other names: c.3744G>T, p.Glu1248Asp (NM_001282394.3); short protein forms E1248D.
Identifiers: ClinVar variation 3470433 (VCV003470433.1).